The following is an entry in ClinVar:

ClinVar aggregate classification (germline): Conflicting classifications of pathogenicity. Review status: criteria provided, conflicting classifications (1 of 4 stars). 5 submissions from 5 submitters: Uncertain significance (1); Likely benign (4). Last evaluated 2025-11-27.

Allele frequency attached by ClinVar (database versions not stated): TOPMed 0.00005; gnomAD exomes 0.00006 and 0.00007; ExAC 0.00008; gnomAD 0.00009; ESP Exome Variant Server 0.00015.
gnomAD v4.1: 121 of 1,613,982 alleles (0.0075%); highest among the groups gnomAD compares: Non-Finnish European, 0.0096%; no homozygotes.

Submissions (5):

Labcorp Genetics (formerly Invitae), Labcorp
Classification: Likely benign. Last evaluated: 2025-11-27. Review status: criteria provided, single submitter. Criteria: Invitae Variant Classification Sherloc (09022015). Collection method: clinical testing. Allele origin: germline.

Women's Health and Genetics/Laboratory Corporation of America, LabCorp
Classification: Likely benign. Last evaluated: 2025-05-12. Review status: criteria provided, single submitter. Criteria: LabCorp Variant Classification Summary - May 2015. Collection method: clinical testing. Allele origin: germline.

CeGaT Center for Human Genetics Tuebingen
Classification: Likely benign. Last evaluated: 2025-01-01. Review status: criteria provided, single submitter. Criteria: CeGaT Center For Human Genetics Tuebingen Variant Classification Criteria Version 2. Collection method: clinical testing. Allele origin: germline. Affected: yes. Observed: 2 variant alleles.
Comment: SRCAP: BP4, BP7

Blueprint Genetics
Classification: Likely benign. Last evaluated: 2024-11-27. Review status: criteria provided, single submitter. Criteria: ACMG Guidelines, 2015. Collection method: clinical testing. Allele origin: germline.

Eurofins Ntd Llc (ga)
Classification: Uncertain significance. Last evaluated: 2015-06-29. Review status: criteria provided, single submitter. Criteria: EGL Classification Definitions 2015. Collection method: clinical testing. Allele origin: germline. Observed: 1 variant allele, 1 heterozygote.

NM_006662.3(SRCAP):c.5019G>A (p.Pro1673=)

Gene: SRCAP (Snf2 related CREBBP activator protein; plus strand). Cytogenetic location: 16p11.2.
Variant type: single nucleotide variant.
Coding change: c.5019G>A on transcript NM_006662.3 (MANE Select); coding-DNA position 5019, G replaced by A.
Protein change: p.Pro1673=; no amino-acid change (proline 1673 retained).
Molecular consequence: synonymous variant.
Genome position (GRCh38, 1-based): chr16:30,724,443, G>A. VCF-style: chr16-30724443-G-A. GRCh37 (hg19) VCF-style: chr16-30735764-G-A.
Identifiers: ClinVar variation 281516 (VCV000281516.38), dbSNP rs202139170, ClinGen allele CA8011880.